The following is an entry in ClinVar:

ClinVar aggregate classification (germline): Uncertain significance. Review status: criteria provided, multiple submitters, no conflicts (2 of 4 stars). 2 submissions from 2 submitters: Uncertain significance (2). Last evaluated 2024-12-02.

Conditions:
Inborn genetic diseases. Identifiers: MedGen C0950123, MeSH D030342.
Fanconi anemia (FA). Also called: Fanconi's anemia. Identifiers: Orphanet 84, MedGen C0015625, MeSH D005199, MONDO:0019391.

Allele frequency attached by ClinVar (database versions not stated): gnomAD exomes 0.00003 and 0.00007; ExAC 0.00008; 1000 Genomes Project 30x 0.00016; 1000 Genomes Project 0.00020.
gnomAD v4.1: 44 of 1,614,196 alleles (0.0027%); highest among the groups gnomAD compares: South Asian, 0.048%; no homozygotes.

Submissions (2):

Ambry Genetics
Classification: Uncertain significance for Inborn genetic diseases. Last evaluated: 2024-12-02. Review status: criteria provided, single submitter. Criteria: Ambry Variant Classification Scheme 2023. Collection method: clinical testing. Allele origin: germline.
Comment: The p.P41L variant (also known as c.122C>T), located in coding exon 1 of the FANCM gene, results from a C to T substitution at nucleotide position 122. The proline at codon 41 is replaced by leucine, an amino acid with similar properties. This amino acid position is conserved. In addition, this alteration is predicted to be tolerated by in silico analysis. Based on the available evidence, the clinical significance of this variant remains unclear.

Labcorp Genetics (formerly Invitae), Labcorp
Classification: Uncertain significance for Fanconi anemia. Last evaluated: 2018-12-05. Review status: criteria provided, single submitter. Criteria: Invitae Variant Classification Sherloc (09022015). Collection method: clinical testing. Allele origin: germline.
Comment: This sequence change replaces proline with leucine at codon 41 of the FANCM protein (p.Pro41Leu). The proline residue is weakly conserved and there is a moderate physicochemical difference between proline and leucine. This variant is present in population databases (rs548726090, ExAC 0.06%). This variant has not been reported in the literature in individuals with FANCM-related conditions. Algorithms developed to predict the effect of missense changes on protein structure and function (SIFT, PolyPhen-2, Align-GVGD) all suggest that this variant is likely to be tolerated, but these predictions have not been confirmed by published functional studies and their clinical significance is uncertain. In summary, the available evidence is currently insufficient to determine the role of this variant in disease. Therefore, it has been classified as a Variant of Uncertain Significance.

NM_020937.4(FANCM):c.122C>T (p.Pro41Leu)

Gene: FANCM (FA complementation group M; plus strand). Cytogenetic location: 14q21.2.
Variant type: single nucleotide variant.
Coding change: c.122C>T on transcript NM_020937.4 (MANE Select); coding-DNA position 122, C replaced by T.
Protein change: p.Pro41Leu; replaces proline 41 with leucine.
Molecular consequence: missense variant.
Genome position (GRCh38, 1-based): chr14:45,136,153, C>T. VCF-style: chr14-45136153-C-T. GRCh37 (hg19) VCF-style: chr14-45605356-C-T.
Other names: c.122C>T, p.Pro41Leu (NM_001308133.2, NM_001308134.2); short protein forms P41L.
Identifiers: ClinVar variation 639708 (VCV000639708.10), dbSNP rs548726090, ClinGen allele CA7168703.
Genomic context (GRCh38, chr14:45,136,153, plus strand): 5'-GGACTCCGGGTTGCAGCTCCGGAACTGAGCGACCTCAGAGCCCTGGCAGCTCCAAGGCGC[C>T]TTTGCCAGCAGCAGCGGAGGCTCAGCTGGAGTCGGACGATGATGTGTTGCTTGTCGCGGC-3'
Protein context (NP_065988.1, residues 31-51): RPQSPGSSKA[Pro41Leu]LPAAAEAQLE